The following is an entry in ClinVar:

NM_001843.4(CNTN1):c.704-1G>A

Gene: CNTN1 (contactin 1; plus strand). Cytogenetic location: 12q12.
Variant type: single nucleotide variant.
Coding change: c.704-1G>A on transcript NM_001843.4 (MANE Select); the canonical splice acceptor site of the intron before coding-DNA position 704, G replaced by A.
Molecular consequence: splice acceptor variant.
Genome position (GRCh38, 1-based): chr12:40,933,460, G>A. VCF-style: chr12-40933460-G-A. GRCh37 (hg19) VCF-style: chr12-41327262-G-A.
Other names: c.704-1G>A (NM_001256063.2, NM_001256064.2); c.671-1G>A (NM_175038.2).
Identifiers: ClinVar variation 2886308 (VCV002886308.3), dbSNP rs374930846, ClinGen allele CA6516692.

ClinVar aggregate classification (germline): Likely pathogenic (1 of 4 stars; one submission).

Conditions:
Compton-North congenital myopathy (CMYO12). Identifiers: Orphanet 210163, MedGen C2675527, MONDO:0012929, OMIM 612540.

Allele frequency attached by ClinVar (database versions not stated): gnomAD exomes below 0.00001; ExAC 0.00001; gnomAD 0.00001; ESP Exome Variant Server 0.00008.
gnomAD v4.1: 3 of 1,589,678 alleles (0.00019%); highest among the groups gnomAD compares: African/African-American, 0.0013%; no homozygotes.

Submission:

Labcorp Genetics (formerly Invitae), Labcorp
Classification: Likely pathogenic for Compton-North congenital myopathy. Last evaluated: 2022-12-15. Review status: criteria provided, single submitter. Criteria: Invitae Variant Classification Sherloc (09022015). Collection method: clinical testing. Allele origin: germline.
Comment: This sequence change affects an acceptor splice site in intron 7 of the CNTN1 gene. It is expected to disrupt RNA splicing. Variants that disrupt the donor or acceptor splice site typically lead to a loss of protein function (PMID: 16199547), and loss-of-function variants in CNTN1 are known to be pathogenic (PMID: 19026398, 22242131). This variant is not present in population databases (gnomAD no frequency). This variant has not been reported in the literature in individuals affected with CNTN1-related conditions. Algorithms developed to predict the effect of sequence changes on RNA splicing suggest that this variant may disrupt the consensus splice site. In summary, the currently available evidence indicates that the variant is pathogenic, but additional data are needed to prove that conclusively. Therefore, this variant has been classified as Likely Pathogenic.

Literature cited by the submitters: PubMed 16199547; PubMed 19026398; PubMed 22242131.